The following is an entry in ClinVar:

ClinVar aggregate classification (germline): Uncertain significance. Review status: criteria provided, multiple submitters, no conflicts (2 of 4 stars). 3 submissions from 3 submitters: Uncertain significance (2). 1 of the submissions does not count toward it. Last evaluated 2026-07-28.

Conditions:
Hereditary cancer-predisposing syndrome. Also called: Tumor predisposition; Hereditary neoplastic syndrome; Hereditary Cancer Syndrome; Neoplastic Syndromes, Hereditary. Identifiers: Orphanet 140162, MedGen C0027672, MeSH D009386, MONDO:0015356.
Familial adenomatous polyposis 1 (FAP1). Also called: POLYPOSIS, ADENOMATOUS INTESTINAL; FAMILIAL ADENOMATOUS POLYPOSIS 1, ATTENUATED. Identifiers: MedGen C2713442, MONDO:0021056, OMIM 175100. Disease mechanism: loss of function.

gnomAD v4.1: 1 of 1,614,172 alleles (0.000062%); highest among the groups gnomAD compares: Non-Finnish European, 0.000085%; no homozygotes.

Submissions (3):

Ambry Genetics
Classification: Uncertain significance for Hereditary cancer-predisposing syndrome. Last evaluated: 2026-07-28. Review status: criteria provided, single submitter. Criteria: Ambry Variant Classification Scheme 2023. Collection method: clinical testing. Allele origin: germline.

Labcorp Genetics (formerly Invitae), Labcorp
Classification: Uncertain significance for Familial adenomatous polyposis 1. Last evaluated: 2023-04-09. Review status: criteria provided, single submitter. Criteria: Invitae Variant Classification Sherloc (09022015). Collection method: clinical testing. Allele origin: germline.
Comment: In summary, the available evidence is currently insufficient to determine the role of this variant in disease. Therefore, it has been classified as a Variant of Uncertain Significance. Advanced modeling of protein sequence and biophysical properties (such as structural, functional, and spatial information, amino acid conservation, physicochemical variation, residue mobility, and thermodynamic stability) performed at Invitae indicates that this missense variant is not expected to disrupt APC protein function. ClinVar contains an entry for this variant (Variation ID: 133526). This variant has not been reported in the literature in individuals affected with APC-related conditions. This variant is not present in population databases (gnomAD no frequency). This sequence change replaces aspartic acid, which is acidic and polar, with asparagine, which is neutral and polar, at codon 1018 of the APC protein (p.Asp1018Asn).

ITMI
No classification provided. Condition: AllHighlyPenetrant. Last evaluated: 2013-09-19. Review status: no classification provided. Collection method: reference population. Allele origin: germline. Not counted in ClinVar's aggregate classification.
Comment: Please see associated publication for description of ethnicities

Literature cited by the submitters: PubMed 24728327 (cited by ITMI).

NM_000038.6(APC):c.3052G>A (p.Asp1018Asn)

Gene: APC (APC regulator of Wnt signaling pathway; plus strand). Cytogenetic location: 5q22.2.
Variant type: single nucleotide variant.
Coding change: c.3052G>A on transcript NM_000038.6 (MANE Select); coding-DNA position 3052, G replaced by A.
Protein change: p.Asp1018Asn; replaces aspartic acid 1018 with asparagine.
Molecular consequence: missense variant.
Genome position (GRCh38, 1-based): chr5:112,838,646, G>A. VCF-style: chr5-112838646-G-A. GRCh37 (hg19) VCF-style: chr5-112174343-G-A.
Other names: c.3052G>A (NM_000038.5); c.3052G>A, p.Asp1018Asn (NM_001127510.3, NM_001354895.2); c.2998G>A, p.Asp1000Asn (NM_001127511.3); c.3106G>A, p.Asp1036Asn (NM_001354896.2); c.3082G>A, p.Asp1028Asn (NM_001354897.2); c.2977G>A, p.Asp993Asn (NM_001354898.2); c.2968G>A, p.Asp990Asn (NM_001354899.2); c.2929G>A, p.Asp977Asn (NM_001354900.2); and 6 more; short protein forms D1000N, D1018N, D977N, D993N, D735N, D917N, D959N, D990N.
Identifiers: ClinVar variation 133526 (VCV000133526.5), dbSNP rs587778038, ClinGen allele CA008010.